The following is an entry in ClinVar:

NM_016038.4(SBDS):c.23A>G (p.Asn8Ser)

Gene: SBDS (SBDS ribosome maturation factor; minus strand). Cytogenetic location: 7q11.21.
Variant type: single nucleotide variant.
Coding change: c.23A>G on transcript NM_016038.4 (MANE Select); coding-DNA position 23, A replaced by G.
Protein change: p.Asn8Ser; replaces asparagine 8 with serine.
Molecular consequence: missense variant.
Genome position (GRCh38, 1-based): chr7:66,995,395, T>C on the plus strand (A>G on the coding strand, the complement: SBDS is on the minus strand). VCF-style: chr7-66995395-T-C. GRCh37 (hg19) VCF-style: chr7-66460382-T-C.
Other names: short protein forms N8S.
Identifiers: ClinVar variation 3792725 (VCV003792725.1).

ClinVar aggregate classification (germline): Uncertain significance (1 of 4 stars; one submission).

Conditions:
Inborn genetic diseases. Identifiers: MedGen C0950123, MeSH D030342.

Submission:

Ambry Genetics
Classification: Uncertain significance for Inborn genetic diseases. Last evaluated: 2025-01-28. Review status: criteria provided, single submitter. Criteria: Ambry Variant Classification Scheme 2023. Collection method: clinical testing. Allele origin: germline.
Comment: The p.N8S variant (also known as c.23A>G), located in coding exon 1 of the SBDS gene, results from an A to G substitution at nucleotide position 23. The asparagine at codon 8 is replaced by serine, an amino acid with highly similar properties. This amino acid position is conserved. In addition, the in silico prediction for this alteration is inconclusive. Based on the available evidence, the clinical significance of this variant remains unclear.